The following is an entry in ClinVar:

ClinVar aggregate classification (germline): Likely benign. Review status: criteria provided, multiple submitters, no conflicts (2 of 4 stars). 4 submissions from 4 submitters: Likely benign (3). 1 of the submissions does not count toward it. Last evaluated 2024-06-20.

Conditions:
Pyruvate carboxylase deficiency. Also called: Pyruvate Carboxylase Deficiency Disease; ATAXIA WITH LACTIC ACIDOSIS II; LEIGH NECROTIZING ENCEPHALOPATHY DUE TO PYRUVATE CARBOXYLASE DEFICIENCY; LEIGH SYNDROME DUE TO PYRUVATE CARBOXYLASE DEFICIENCY; PC DEFICIENCY. Identifiers: Orphanet 3008, MedGen C0034341, MONDO:0009949, OMIM 266150.

Allele frequency attached by ClinVar (database versions not stated): gnomAD 0.00001; gnomAD exomes 0.00001 and 0.00002; TOPMed 0.00001; ExAC 0.00002; 1000 Genomes Project 0.00020; 1000 Genomes Project 30x 0.00031.
gnomAD v4.1: 24 of 1,614,010 alleles (0.0015%); highest among the groups gnomAD compares: Middle Eastern, 0.016%; no homozygotes.

Submissions (4):

Blueprint Genetics
Classification: Likely benign. Last evaluated: 2024-06-20. Review status: criteria provided, single submitter. Criteria: ACMG Guidelines, 2015. Collection method: clinical testing. Allele origin: germline.

Labcorp Genetics (formerly Invitae), Labcorp
Classification: Likely benign for Pyruvate carboxylase deficiency. Last evaluated: 2024-03-16. Review status: criteria provided, single submitter. Criteria: Invitae Variant Classification Sherloc (09022015). Collection method: clinical testing. Allele origin: germline.

GeneDx
Classification: Likely benign. Last evaluated: 2016-11-17. Review status: criteria provided, single submitter. Criteria: GeneDx Variant Classification (06012015). Collection method: clinical testing. Allele origin: germline. Affected: yes.
Comment: This variant is considered likely benign or benign based on one or more of the following criteria: it is a conservative change, it occurs at a poorly conserved position in the protein, it is predicted to be benign by multiple in silico algorithms, and/or has population frequency not consistent with disease.

Mayo Clinic Laboratories, Mayo Clinic
Classification: Likely benign. Last evaluated: 2016-03-16. Review status: no assertion criteria provided. Collection method: clinical testing. Allele origin: unknown. Not counted in ClinVar's aggregate classification.

NM_001040716.2(PC):c.2706C>T (p.Gly902=)

Gene: PC (pyruvate carboxylase; minus strand). Cytogenetic location: 11q13.2.
Variant type: single nucleotide variant.
Coding change: c.2706C>T on transcript NM_001040716.2 (MANE Select); coding-DNA position 2706, C replaced by T.
Protein change: p.Gly902=; no amino-acid change (glycine 902 retained).
Molecular consequence: synonymous variant.
Genome position (GRCh38, 1-based): chr11:66,850,232, G>A on the plus strand (C>T on the coding strand, the complement: PC is on the minus strand). VCF-style: chr11-66850232-G-A. GRCh37 (hg19) VCF-style: chr11-66617703-G-A.
Other names: c.2706C>T, p.Gly902= (NM_000920.4, NM_022172.3).
Identifiers: ClinVar variation 378336 (VCV000378336.10), dbSNP rs73489729, ClinGen allele CA6131011.